The following is an entry in ClinVar:

NM_002734.5(PRKAR1A):c.348+4G>A

Gene: PRKAR1A (protein kinase cAMP-dependent type I regulatory subunit alpha; plus strand). Cytogenetic location: 17q24.2.
Variant type: single nucleotide variant.
Coding change: c.348+4G>A on transcript NM_002734.5 (MANE Select); 4 bases into the intron after coding-DNA position 348, G replaced by A.
Molecular consequence: intron variant.
Genome position (GRCh38, 1-based): chr17:68,522,930, G>A. VCF-style: chr17-68522930-G-A. GRCh37 (hg19) VCF-style: chr17-66519071-G-A.
Other names: c.348+4G>A (NM_001278433.2, NM_001369389.1, NM_212471.3 and 4 more transcripts).
Identifiers: ClinVar variation 3425071 (VCV003425071.1).

ClinVar aggregate classification (germline): Uncertain significance (1 of 4 stars; one submission).

Conditions:
Hereditary cancer-predisposing syndrome. Also called: Neoplastic Syndromes, Hereditary; Tumor predisposition; Hereditary Cancer Syndrome; Hereditary neoplastic syndrome. Identifiers: Orphanet 140162, MedGen C0027672, MeSH D009386, MONDO:0015356.

gnomAD v4.1: 1 of 1,613,464 alleles (0.000062%); highest among the groups gnomAD compares: Admixed American, 0.0017%; no homozygotes.

Submission:

Ambry Genetics
Classification: Uncertain significance for Hereditary cancer-predisposing syndrome. Last evaluated: 2024-10-26. Review status: criteria provided, single submitter. Criteria: Ambry Variant Classification Scheme 2023. Collection method: clinical testing. Allele origin: germline.
Comment: The c.348+4G>A intronic variant results from a G to A substitution 4 nucleotides after coding exon 2 in the PRKAR1A gene. This nucleotide position is not well conserved in available vertebrate species. In silico splice site analysis predicts that this alteration will not have any significant effect on splicing. Based on the available evidence, the clinical significance of this variant remains unclear.